The following is an entry in ClinVar:

ClinVar aggregate classification (germline): Benign/Likely benign. Review status: criteria provided, multiple submitters, no conflicts (2 of 4 stars). 2 submissions from 2 submitters: Benign (1); Likely benign (1). Last evaluated 2025-08-14.

Conditions:
Wilson-Turner syndrome (WTS). Also called: INTELLECTUAL DEVELOPMENTAL DISORDER, X-LINKED, SYNDROMIC, WILSON-TURNER TYPE; MENTAL RETARDATION, X-LINKED, SYNDROMIC 6. Identifiers: Orphanet 3459, MedGen C1839736, MONDO:0010665, OMIM 309585.

Submissions (2):

Labcorp Genetics (formerly Invitae), Labcorp
Classification: Benign for Wilson-Turner syndrome. Last evaluated: 2025-08-14. Review status: criteria provided, single submitter. Criteria: Invitae Variant Classification Sherloc (09022015). Collection method: clinical testing. Allele origin: germline.

CeGaT Center for Human Genetics Tuebingen
Classification: Likely benign. Last evaluated: 2024-01-01. Review status: criteria provided, single submitter. Criteria: CeGaT Center For Human Genetics Tuebingen Variant Classification Criteria Version 2. Collection method: clinical testing. Allele origin: germline. Affected: yes. Observed: 1 variant allele.
Comment: LAS1L: BS2

NM_031206.7(LAS1L):c.1788TGATGAAGA[1] (p.596DDE[1])

Gene: LAS1L (LAS1 like ribosome biogenesis factor; minus strand). Cytogenetic location: Xq12.
Variant type: Microsatellite.
Coding change: c.1788TGATGAAGA[1] on transcript NM_031206.7 (MANE Select); one copy of the 9-base unit TGATGAAGA starting at c.1788; the reference has two copies in a row; one copy, 9 bases deleted; also written c.1797_1805del.
Protein change: p.596DDE[1].
Molecular consequence: inframe deletion. On other transcripts: non-coding transcript variant (1).
Genome position (GRCh38, 1-based): chrX:65,518,109-65,518,117, TCTTCATCA deleted on the plus strand (TGATGAAGA on the coding strand, the reverse complement: LAS1L is on the minus strand); deleting any 9 consecutive bases within chrX:65,518,109-65,518,134 gives the same sequence; the position shown is the placement nearest the transcript's 3' end. VCF-style (leftmost placement, unchanged base first): chrX-65518108-CTCTTCATCA-C. GRCh37 (hg19) VCF-style: chrX-64737988-CTCTTCATCA-C.
Other names: c.1737TGATGAAGA[1], p.579DDE[1] (NM_001170649.2, NM_001375333.1); c.1611TGATGAAGA[1], p.537DDE[1] (NM_001170650.2); c.1788TGATGAAGA[1], p.596DDE[1] (NM_001375328.1); c.831TGATGAAGA[1], p.277DDE[1] (NM_001375332.1); c.1797_1805del (NM_031206.4).
Identifiers: ClinVar variation 702347 (VCV000702347.33), dbSNP rs766197666, ClinGen allele CA10433873.